The following is an entry in ClinVar:

ClinVar aggregate classification (germline): Likely benign. Review status: criteria provided, multiple submitters, no conflicts (2 of 4 stars). 4 submissions from 4 submitters: Likely benign (4). Last evaluated 2026-04-01.

Conditions:
HDAC4-related disorder. Also called: HDAC4-related condition.

Allele frequency attached by ClinVar (database versions not stated): gnomAD exomes 0.00011 and 0.00019; gnomAD 0.00013 and 0.00015; TOPMed 0.00015; ExAC 0.00016; 1000 Genomes Project 0.00020; 1000 Genomes Project 30x 0.00031.
gnomAD v4.1: 191 of 1,613,944 alleles (0.012%); highest among the groups gnomAD compares: Middle Eastern, 0.12%; no homozygotes.

Submissions (4):

CeGaT Center for Human Genetics Tuebingen
Classification: Likely benign. Last evaluated: 2026-04-01. Review status: criteria provided, single submitter. Criteria: CeGaT Center For Human Genetics Tuebingen Variant Classification Criteria Version 2. Collection method: clinical testing. Allele origin: germline. Affected: yes. Observed: 3 variant alleles.
Comment: HDAC4: BP4, BP7

PreventionGenetics, part of Exact Sciences
Classification: Likely benign for HDAC4-related condition. Last evaluated: 2025-09-10. Review status: criteria provided, single submitter. Criteria: ACMG Guidelines, 2015. Collection method: clinical testing. Allele origin: germline.
Comment: This variant is classified as likely benign based on ACMG/AMP sequence variant interpretation guidelines (Richards et al. 2015 PMID: 25741868, with internal and published modifications).

Labcorp Genetics (formerly Invitae), Labcorp
Classification: Likely benign. Last evaluated: 2024-09-05. Review status: criteria provided, single submitter. Criteria: Invitae Variant Classification Sherloc (09022015). Collection method: clinical testing. Allele origin: germline.

Blueprint Genetics
Classification: Likely benign. Last evaluated: 2024-07-25. Review status: criteria provided, single submitter. Criteria: ACMG Guidelines, 2015. Collection method: clinical testing. Allele origin: germline.

NM_001378414.1(HDAC4):c.2961C>T (p.Cys987=)

Gene: HDAC4 (histone deacetylase 4; minus strand). Cytogenetic location: 2q37.3.
Variant type: single nucleotide variant.
Coding change: c.2961C>T on transcript NM_001378414.1 (MANE Select); coding-DNA position 2961, C replaced by T.
Protein change: p.Cys987=; no amino-acid change (cysteine 987 retained).
Molecular consequence: synonymous variant.
Genome position (GRCh38, 1-based): chr2:239,066,764, G>A on the plus strand (C>T on the coding strand, the complement: HDAC4 is on the minus strand). VCF-style: chr2-239066764-G-A. GRCh37 (hg19) VCF-style: chr2-239988460-G-A.
Other names: c.2961C>T, p.Cys987= (NM_001378415.1); c.2946C>T, p.Cys982= (NM_001378416.1, NM_001378417.1, NM_006037.4).
Identifiers: ClinVar variation 706501 (VCV000706501.33), dbSNP rs199744642, ClinGen allele CA2199104.